The following is an entry in ClinVar:

NM_031483.7(ITCH):c.394dup (p.Ile132fs)

Gene: ITCH (itchy E3 ubiquitin protein ligase; plus strand). Cytogenetic location: 20q11.22.
Variant type: Duplication.
Coding change: c.394dup on transcript NM_031483.7 (MANE Select); coding-DNA position 394, one base duplicated (A; older notation c.394dupA).
Protein change: p.Ile132fs; shifts the reading frame from isoleucine 132.
Molecular consequence: frameshift variant.
Genome position (GRCh38, 1-based): chr20:34,413,798, A duplicated; the last of 2 consecutive A bases (chr20:34,413,797-34,413,798); duplicating either gives the same sequence. VCF-style (leftmost placement, unchanged base first): chr20-34413796-C-CA. GRCh37 (hg19) VCF-style: chr20-33001602-C-CA.
Other names: c.394dup, p.Ile132fs (NM_001257137.3, NM_001324197.2, NM_001324198.2); c.64dup, p.Ile22fs (NM_001257138.3); short protein forms I132fs, I22fs.
Identifiers: ClinVar variation 4391 (VCV000004391.7), dbSNP rs587776592, ClinGen allele CA116818.
Genomic context (GRCh38, chr20:34,413,796, plus strand): 5'-TTCCAGTTGAAGAAGTAGTTGTGACTTTGCAGCTTGGAGGTGACAAAGAGCCAACAGAGA[C>CA]AATAGGAGACTTGTCAATTTGTCTTGATGGGCTACAGTTAGAGTCTGAAGTTGTTACCAA-3'

ClinVar aggregate classification (germline): Pathogenic. Review status: criteria provided, multiple submitters, no conflicts (2 of 4 stars). 3 submissions from 3 submitters: Pathogenic (2). 1 of the submissions does not count toward it. Last evaluated 2024-05-02.

Conditions:
Syndromic multisystem autoimmune disease due to ITCH deficiency. Also called: AUTOIMMUNE DISEASE, MULTISYSTEM, WITH FACIAL DYSMORPHISM. Identifiers: Orphanet 228426, MedGen C3150649, MONDO:0013245, OMIM 613385.

Submissions (3):

GeneDx
Classification: Pathogenic. Last evaluated: 2024-05-02. Review status: criteria provided, single submitter. Criteria: GeneDx Variant Classification Process June 2021. Collection method: clinical testing. Allele origin: germline. Affected: yes.
Comment: Frameshift variant predicted to result in protein truncation or nonsense mediated decay in a gene for which loss of function is a known mechanism of disease; Not observed at significant frequency in large population cohorts (gnomAD); This variant is associated with the following publications: (PMID: 33864888, 20170897)

Labcorp Genetics (formerly Invitae), Labcorp
Classification: Pathogenic for Syndromic multisystem autoimmune disease due to ITCH deficiency. Last evaluated: 2023-12-11. Review status: criteria provided, single submitter. Criteria: Invitae Variant Classification Sherloc (09022015). Collection method: clinical testing. Allele origin: germline.
Comment: This sequence change creates a premature translational stop signal (p.Ile132Asnfs*9) in the ITCH gene. It is expected to result in an absent or disrupted protein product. Loss-of-function variants in ITCH are known to be pathogenic (PMID: 20170897). This variant is not present in population databases (gnomAD no frequency). This premature translational stop signal has been observed in individual(s) with ITCH deficiency (PMID: 20170897). This variant is also known as c.394_395insA. ClinVar contains an entry for this variant (Variation ID: 4391). For these reasons, this variant has been classified as Pathogenic.

OMIM
Classification: Pathogenic for AUTOIMMUNE DISEASE, MULTISYSTEM, WITH FACIAL DYSMORPHISM. Last evaluated: 2010-03-12. Review status: no assertion criteria provided. Collection method: literature only. Allele origin: germline. Not counted in ClinVar's aggregate classification.

Literature cited by the submitters: PubMed 20170897 (cited by Labcorp Genetics (formerly Invitae), Labcorp and OMIM).